The following is an entry in ClinVar:

ClinVar aggregate classification (germline): Uncertain significance (1 of 4 stars; one submission).

Conditions:
Nemaline myopathy 6 (NEM6). Also called: Nemaline myopathy 6, autosomal dominant. Identifiers: Orphanet 171439, MedGen C1836472, MONDO:0012237, OMIM 609273.

Submission:

Labcorp Genetics (formerly Invitae), Labcorp
Classification: Uncertain significance for Nemaline myopathy 6. Last evaluated: 2024-02-17. Review status: criteria provided, single submitter. Criteria: Invitae Variant Classification Sherloc (09022015). Collection method: clinical testing. Allele origin: germline.
Comment: This sequence change replaces serine, which is neutral and polar, with asparagine, which is neutral and polar, at codon 389 of the KBTBD13 protein (p.Ser389Asn). The frequency data for this variant in the population databases is considered unreliable, as metrics indicate poor data quality at this position in the gnomAD database. This variant has not been reported in the literature in individuals affected with KBTBD13-related conditions. An algorithm developed to predict the effect of missense changes on protein structure and function (PolyPhen-2) suggests that this variant is likely to be disruptive. In summary, the available evidence is currently insufficient to determine the role of this variant in disease. Therefore, it has been classified as a Variant of Uncertain Significance.

NM_001101362.3(KBTBD13):c.1166G>A (p.Ser389Asn)

Gene: KBTBD13 (kelch repeat and BTB domain containing 13; plus strand). Cytogenetic location: 15q22.31.
Variant type: single nucleotide variant.
Coding change: c.1166G>A on transcript NM_001101362.3 (MANE Select); coding-DNA position 1166, G replaced by A.
Protein change: p.Ser389Asn; replaces serine 389 with asparagine.
Molecular consequence: missense variant.
Genome position (GRCh38, 1-based): chr15:65,077,981, G>A. VCF-style: chr15-65077981-G-A. GRCh37 (hg19) VCF-style: chr15-65370319-G-A.
Other names: short protein forms S389N.
Identifiers: ClinVar variation 3620014 (VCV003620014.2).